The following is an entry in ClinVar:

ClinVar aggregate classification (germline): Uncertain significance (1 of 4 stars; one submission).

Conditions:
Leukocyte adhesion deficiency type II. Also called: CONGENITAL DISORDER OF GLYCOSYLATION, TYPE IIc; CDG IIc; Congenital disorder of glycosylation type 2C; CDG 2C; Leukocyte adhesion deficiency type 2; Rambam Hasharon syndrome. Identifiers: Orphanet 2968, Orphanet 99843, MedGen C0398739, MONDO:0009953, OMIM 266265.

Submission:

Labcorp Genetics (formerly Invitae), Labcorp
Classification: Uncertain significance for Leukocyte adhesion deficiency type II. Last evaluated: 2022-08-23. Review status: criteria provided, single submitter. Criteria: Invitae Variant Classification Sherloc (09022015). Collection method: clinical testing. Allele origin: germline.
Comment: In summary, the available evidence is currently insufficient to determine the role of this variant in disease. Therefore, it has been classified as a Variant of Uncertain Significance. Algorithms developed to predict the effect of missense changes on protein structure and function output the following: SIFT: "Tolerated"; PolyPhen-2: "Benign"; Align-GVGD: "Class C0". The threonine amino acid residue is found in multiple mammalian species, which suggests that this missense change does not adversely affect protein function. This variant has not been reported in the literature in individuals affected with SLC35C1-related conditions. This variant is not present in population databases (gnomAD no frequency). This sequence change replaces alanine, which is neutral and non-polar, with threonine, which is neutral and polar, at codon 96 of the SLC35C1 protein (p.Ala96Thr).

NM_018389.5(SLC35C1):c.286G>A (p.Ala96Thr)

Gene: SLC35C1 (solute carrier family 35 member C1; plus strand). Cytogenetic location: 11p11.2.
Variant type: single nucleotide variant.
Coding change: c.286G>A on transcript NM_018389.5 (MANE Select); coding-DNA position 286, G replaced by A.
Protein change: p.Ala96Thr; replaces alanine 96 with threonine.
Molecular consequence: missense variant.
Genome position (GRCh38, 1-based): chr11:45,806,087, G>A. VCF-style: chr11-45806087-G-A. GRCh37 (hg19) VCF-style: chr11-45827638-G-A.
Other names: c.247G>A, p.Ala83Thr (NM_001145265.2, NM_001145266.2); short protein forms A83T, A96T.
Identifiers: ClinVar variation 1966802 (VCV001966802.5), dbSNP rs2085870468, ClinGen allele CA380202661.
Genomic context (GRCh38, chr11:45,806,087, plus strand): 5'-GTCACCTTCTACCAGTGCCTGGTGACCACGCTGCTGTGCAAAGGCCTCAGCGCTCTGGCC[G>A]CCTGCTGCCCTGGTGCCGTGGACTTCCCCAGCTTGCGCCTGGACCTCAGGGTGGCCCGCA-3'
Protein context (NP_060859.4, residues 86-106): LLCKGLSALA[Ala96Thr]CCPGAVDFPS